The following is an entry in ClinVar:

ClinVar aggregate classification (germline): Uncertain significance (1 of 4 stars; one submission).

Conditions:
Neurofibromatosis, type 1 (NF1). Also called: VON RECKLINGHAUSEN DISEASE; Peripheral type neurofibromatosis; Neurofibromatosis, type I; NEUROFIBROMATOSIS, TYPE I, SOMATIC. Identifiers: Orphanet 636, MedGen C0027831, MONDO:0018975, OMIM 162200. Disease mechanism: loss of function.

Submission:

Labcorp Genetics (formerly Invitae), Labcorp
Classification: Uncertain significance for Neurofibromatosis, type 1. Last evaluated: 2021-04-16. Review status: criteria provided, single submitter. Criteria: Invitae Variant Classification Sherloc (09022015). Collection method: clinical testing. Allele origin: germline.
Comment: Advanced modeling of protein sequence and biophysical properties (such as structural, functional, and spatial information, amino acid conservation, physicochemical variation, residue mobility, and thermodynamic stability) performed at Invitae indicates that this missense variant is expected to disrupt NF1 protein function. This sequence change replaces glutamine with histidine at codon 1174 of the NF1 protein (p.Gln1174His). The glutamine residue is moderately conserved and there is a small physicochemical difference between glutamine and histidine. This variant is not present in population databases (ExAC no frequency). This variant has not been reported in the literature in individuals with NF1-related conditions. In summary, the available evidence is currently insufficient to determine the role of this variant in disease. Therefore, it has been classified as a Variant of Uncertain Significance.

NM_001042492.3(NF1):c.3522G>T (p.Gln1174His)

Gene: NF1 (neurofibromin 1; plus strand). Cytogenetic location: 17q11.2.
Variant type: single nucleotide variant.
Coding change: c.3522G>T on transcript NM_001042492.3 (MANE Select); coding-DNA position 3522, G replaced by T.
Protein change: p.Gln1174His; replaces glutamine 1174 with histidine.
Molecular consequence: missense variant.
Genome position (GRCh38, 1-based): chr17:31,233,027, G>T. VCF-style: chr17-31233027-G-T. GRCh37 (hg19) VCF-style: chr17-29560045-G-T.
Other names: c.3522G>T, p.Gln1174His (NM_000267.4); short protein forms Q1174H.
Identifiers: ClinVar variation 1345991 (VCV001345991.8), dbSNP rs2151435319, ClinGen allele CA398989770.